The following is an entry in ClinVar:

ClinVar aggregate classification (germline): Uncertain significance (1 of 4 stars; one submission).

Conditions:
Inborn genetic diseases. Identifiers: MedGen C0950123, MeSH D030342.

gnomAD v4.1: 2 of 1,614,082 alleles (0.00012%); highest among the groups gnomAD compares: Admixed American, 0.0017%; no homozygotes.

Submission:

Ambry Genetics
Classification: Uncertain significance for Inborn genetic diseases. Last evaluated: 2024-12-10. Review status: criteria provided, single submitter. Criteria: Ambry Variant Classification Scheme 2023. Collection method: clinical testing. Allele origin: germline.
Comment: The p.C128R variant (also known as c.382T>C), located in coding exon 3 of the ANKRD26 gene, results from a T to C substitution at nucleotide position 382. The cysteine at codon 128 is replaced by arginine, an amino acid with highly dissimilar properties. This amino acid position is conserved. In addition, the in silico prediction for this alteration is inconclusive. Based on the available evidence, the clinical significance of this variant remains unclear.

NM_014915.3(ANKRD26):c.382T>C (p.Cys128Arg)

Gene: ANKRD26 (ankyrin repeat domain containing 26; minus strand). Cytogenetic location: 10p12.1.
Variant type: single nucleotide variant.
Coding change: c.382T>C on transcript NM_014915.3 (MANE Select); coding-DNA position 382, T replaced by C.
Protein change: p.Cys128Arg; replaces cysteine 128 with arginine.
Molecular consequence: missense variant.
Genome position (GRCh38, 1-based): chr10:27,093,498, A>G on the plus strand (T>C on the coding strand, the complement: ANKRD26 is on the minus strand). VCF-style: chr10-27093498-A-G. GRCh37 (hg19) VCF-style: chr10-27382427-A-G.
Other names: c.382T>C, p.Cys128Arg (NM_001256053.2); short protein forms C128R.
Identifiers: ClinVar variation 3397423 (VCV003397423.1).